The following is an entry in ClinVar:

ClinVar aggregate classification (germline): Uncertain significance (1 of 4 stars; one submission).

Conditions:
Hereditary cancer-predisposing syndrome. Also called: Neoplastic Syndromes, Hereditary; Tumor predisposition; Hereditary Cancer Syndrome; Hereditary neoplastic syndrome. Identifiers: Orphanet 140162, MedGen C0027672, MeSH D009386, MONDO:0015356.

Submission:

Ambry Genetics
Classification: Uncertain significance for Hereditary cancer-predisposing syndrome. Last evaluated: 2022-10-05. Review status: criteria provided, single submitter. Criteria: Ambry Variant Classification Scheme 2023. Collection method: clinical testing. Allele origin: germline.
Comment: The p.G132A variant (also known as c.395G>C), located in coding exon 3 of the PDGFRA gene, results from a G to C substitution at nucleotide position 395. The glycine at codon 132 is replaced by alanine, an amino acid with similar properties. This amino acid position is conserved. In addition, this alteration is predicted to be tolerated by in silico analysis. Since supporting evidence is limited at this time, the clinical significance of this alteration remains unclear.

NM_006206.6(PDGFRA):c.395G>C (p.Gly132Ala)

Gene: PDGFRA (platelet derived growth factor receptor alpha; plus strand). Cytogenetic location: 4q12.
Variant type: single nucleotide variant.
Coding change: c.395G>C on transcript NM_006206.6 (MANE Select); coding-DNA position 395, G replaced by C.
Protein change: p.Gly132Ala; replaces glycine 132 with alanine.
Molecular consequence: missense variant.
Genome position (GRCh38, 1-based): chr4:54,263,694, G>C. VCF-style: chr4-54263694-G-C. GRCh37 (hg19) VCF-style: chr4-55129861-G-C.
Other names: c.395G>C, p.Gly132Ala (NM_001347827.2, NM_001347829.2); c.470G>C, p.Gly157Ala (NM_001347828.2); c.434G>C, p.Gly145Ala (NM_001347830.2); short protein forms G157A, G132A, G145A.
Identifiers: ClinVar variation 1736511 (VCV001736511.2), dbSNP rs2110250759, ClinGen allele CA356889669.